The following is an entry in ClinVar:

ClinVar aggregate classification (germline): Likely benign. Review status: criteria provided, multiple submitters, no conflicts (2 of 4 stars). 2 submissions from 2 submitters: Likely benign (2). Last evaluated 2025-12-19.

Conditions:
Glycogen storage disease, type V (GSD5). Also called: MCARDLE DISEASE; McArdle type glycogen storage disease; MUSCLE GLYCOGEN PHOSPHORYLASE DEFICIENCY; MYOPHOSPHORYLASE DEFICIENCY; PYGM DEFICIENCY. Identifiers: Orphanet 368, MedGen C0017924, MONDO:0009293, OMIM 232600.

Allele frequency attached by ClinVar (database versions not stated): TOPMed below 0.00001; gnomAD 0.00001; ExAC 0.00003; gnomAD exomes 0.00003 and 0.00006.
gnomAD v4.1: 97 of 1,614,152 alleles (0.006%); highest among the groups gnomAD compares: East Asian, 0.14%; 1 homozygote.

Submissions (2):

Labcorp Genetics (formerly Invitae), Labcorp
Classification: Likely benign for Glycogen storage disease, type V. Last evaluated: 2025-12-19. Review status: criteria provided, single submitter. Criteria: Invitae Variant Classification Sherloc (09022015). Collection method: clinical testing. Allele origin: germline.

CeGaT Center for Human Genetics Tuebingen
Classification: Likely benign. Last evaluated: 2024-04-01. Review status: criteria provided, single submitter. Criteria: CeGaT Center For Human Genetics Tuebingen Variant Classification Criteria Version 2. Collection method: clinical testing. Allele origin: germline. Affected: yes. Observed: 1 variant allele.
Comment: PYGM: BP4, BP7

NM_005609.4(PYGM):c.60C>T (p.Ala20=)

Gene: PYGM (glycogen phosphorylase, muscle associated; minus strand). Cytogenetic location: 11q13.1.
Variant type: single nucleotide variant.
Coding change: c.60C>T on transcript NM_005609.4 (MANE Select); coding-DNA position 60, C replaced by T.
Protein change: p.Ala20=; no amino-acid change (alanine 20 retained).
Molecular consequence: synonymous variant.
Genome position (GRCh38, 1-based): chr11:64,759,839, G>A on the plus strand (C>T on the coding strand, the complement: PYGM is on the minus strand). VCF-style: chr11-64759839-G-A. GRCh37 (hg19) VCF-style: chr11-64527311-G-A.
Other names: c.60C>T, p.Ala20= (NM_001164716.1).
Identifiers: ClinVar variation 1139413 (VCV001139413.29), dbSNP rs770037071, ClinGen allele CA6080381.